The following is an entry in ClinVar:

NM_000238.4(KCNH2):c.821A>G (p.Glu274Gly)

Gene: KCNH2 (potassium voltage-gated channel subfamily H member 2; minus strand). Cytogenetic location: 7q36.1.
Variant type: single nucleotide variant.
Coding change: c.821A>G on transcript NM_000238.4 (MANE Select); coding-DNA position 821, A replaced by G.
Protein change: p.Glu274Gly; replaces glutamic acid 274 with glycine.
Molecular consequence: missense variant. On other transcripts: non-coding transcript variant (1).
Genome position (GRCh38, 1-based): chr7:150,958,154, T>C on the plus strand (A>G on the coding strand, the complement: KCNH2 is on the minus strand). VCF-style: chr7-150958154-T-C. GRCh37 (hg19) VCF-style: chr7-150655242-T-C.
Other names: c.533A>G, p.Glu178Gly (NM_001406753.1, NM_001406756.1); c.644A>G, p.Glu215Gly (NM_001406755.1); c.521A>G, p.Glu174Gly (NM_001406757.1); c.821A>G, p.Glu274Gly (NM_172056.3); short protein forms E215G, E174G, E178G, E274G.
Identifiers: ClinVar variation 2849272 (VCV002849272.3), dbSNP rs2486089298, ClinGen allele CA369862367.
Genomic context (GRCh38, chr7:150,958,154, plus strand): 5'-CCGGCGCGCATGGCCTCGATGTCGTCGGCCGACGAGGCGCGGCGCACGCTGGCGCAGCTT[T>C]CTCGGGAGCGCGTCCGGGCCAGGCTGCAGCTGGAGCCCGAGGCGTCGGGGTTGAGGCTGT-3'
Protein context (NP_000229.1, residues 264-284): SCSLARTRSR[Glu274Gly]SCASVRRASS

ClinVar aggregate classification (germline): Uncertain significance (1 of 4 stars; one submission).

Conditions:
Long QT syndrome (LQTS). Identifiers: MedGen C0023976, MeSH D008133, MONDO:0002442. Disease mechanism: loss of function. Inheritance: Various modes of inheritance.

Submission:

Labcorp Genetics (formerly Invitae), Labcorp
Classification: Uncertain significance for Long QT syndrome. Last evaluated: 2023-10-16. Review status: criteria provided, single submitter. Criteria: Invitae Variant Classification Sherloc (09022015). Collection method: clinical testing. Allele origin: germline.
Comment: This sequence change replaces glutamic acid, which is acidic and polar, with glycine, which is neutral and non-polar, at codon 274 of the KCNH2 protein (p.Glu274Gly). This variant is not present in population databases (gnomAD no frequency). This variant has not been reported in the literature in individuals affected with KCNH2-related conditions. An algorithm developed to predict the effect of missense changes on protein structure and function (PolyPhen-2) suggests that this variant is likely to be tolerated. In summary, the available evidence is currently insufficient to determine the role of this variant in disease. Therefore, it has been classified as a Variant of Uncertain Significance.